The following is an entry in ClinVar:

ClinVar aggregate classification (germline): Uncertain significance. Review status: criteria provided, multiple submitters, no conflicts (2 of 4 stars). 4 submissions from 4 submitters: Uncertain significance (3). 1 of the submissions does not count toward it. Last evaluated 2024-05-16.

Conditions:
Polycystic kidney disease 4 (PKD4). Also called: POLYCYSTIC KIDNEY DISEASE 4 WITH OR WITHOUT POLYCYSTIC LIVER DISEASE; PKD3; Autosomal Recessive Polycystic Kidney Disease – PKHD1; POLYCYSTIC KIDNEY AND HEPATIC DISEASE 1; POLYCYSTIC KIDNEY DISEASE, INFANTILE, TYPE I. Identifiers: MedGen C4540575, MONDO:0033004, OMIM 263200.
Autosomal recessive polycystic kidney disease (ARPKD). Also called: AR polycystic kidney disease. Identifiers: Orphanet 731, Orphanet 8378, MedGen C0085548, MeSH D017044, MONDO:0009889.
PKHD1-related disorder. Also called: PKHD1-related condition.
Inborn genetic diseases. Identifiers: MedGen C0950123, MeSH D030342.

Allele frequency attached by ClinVar (database versions not stated): gnomAD exomes below 0.00001; TOPMed below 0.00001; gnomAD 0.00001.
gnomAD v4.1: 3 of 1,613,622 alleles (0.00019%); highest among the groups gnomAD compares: Admixed American, 0.005%; no homozygotes.

Submissions (4):

Fulgent Genetics
Classification: Uncertain significance for Polycystic kidney disease 4. Last evaluated: 2024-05-16. Review status: criteria provided, single submitter. Criteria: ACMG Guidelines, 2015. Collection method: clinical testing. Allele origin: germline.

Ambry Genetics
Classification: Uncertain significance for Inborn genetic diseases. Last evaluated: 2022-12-15. Review status: criteria provided, single submitter. Criteria: Ambry Variant Classification Scheme 2023. Collection method: clinical testing. Allele origin: germline.

Labcorp Genetics (formerly Invitae), Labcorp
Classification: Uncertain significance for Autosomal recessive polycystic kidney disease. Last evaluated: 2022-02-06. Review status: criteria provided, single submitter. Criteria: Invitae Variant Classification Sherloc (09022015). Collection method: clinical testing. Allele origin: germline.
Comment: This sequence change replaces lysine, which is basic and polar, with glutamic acid, which is acidic and polar, at codon 3274 of the PKHD1 protein (p.Lys3274Glu). This variant is present in population databases (no rsID available, gnomAD 0.003%). This variant has not been reported in the literature in individuals affected with PKHD1-related conditions. Advanced modeling of protein sequence and biophysical properties (such as structural, functional, and spatial information, amino acid conservation, physicochemical variation, residue mobility, and thermodynamic stability) performed at Invitae indicates that this missense variant is not expected to disrupt PKHD1 protein function. In summary, the available evidence is currently insufficient to determine the role of this variant in disease. Therefore, it has been classified as a Variant of Uncertain Significance.

PreventionGenetics, part of Exact Sciences
Classification: Uncertain significance for PKHD1-related condition. Last evaluated: 2024-02-19. Review status: no assertion criteria provided. Collection method: clinical testing. Allele origin: germline. Not counted in ClinVar's aggregate classification.
Comment: The PKHD1 c.9820A>G variant is predicted to result in the amino acid substitution p.Lys3274Glu. To our knowledge, this variant has not been reported in the literature. This variant is reported in 0.0029% of alleles in individuals of Latino descent in gnomAD. At this time, the clinical significance of this variant is uncertain due to the absence of conclusive functional and genetic evidence.

NM_138694.4(PKHD1):c.9820A>G (p.Lys3274Glu)

Gene: PKHD1 (PKHD1 ciliary IPT domain containing fibrocystin/polyductin; minus strand). Cytogenetic location: 6p12.3.
Variant type: single nucleotide variant.
Coding change: c.9820A>G on transcript NM_138694.4 (MANE Select); coding-DNA position 9820, A replaced by G.
Protein change: p.Lys3274Glu; replaces lysine 3274 with glutamic acid.
Molecular consequence: missense variant.
Genome position (GRCh38, 1-based): chr6:51,747,796, T>C on the plus strand (A>G on the coding strand, the complement: PKHD1 is on the minus strand). VCF-style: chr6-51747796-T-C. GRCh37 (hg19) VCF-style: chr6-51612594-T-C.
Other names: c.9820A>G, p.Lys3274Glu (NM_170724.3); c.9820A>G (NM_138694.3); short protein forms K3274E.
Identifiers: ClinVar variation 2150380 (VCV002150380.5), dbSNP rs1282176841, ClinGen allele CA364419959.